The following is an entry in ClinVar:

NM_001754.5(RUNX1):c.562A>G (p.Thr188Ala)

Genes: RUNX1-AS1 (RUNX1 antisense RNA 1; plus strand), RUNX1 (RUNX family transcription factor 1; minus strand). Cytogenetic location: 21q22.12.
Variant type: single nucleotide variant.
Coding change: c.562A>G on transcript NM_001754.5 (MANE Select); coding-DNA position 562, A replaced by G.
Protein change: p.Thr188Ala; replaces threonine 188 with alanine.
Molecular consequence: missense variant.
Genome position (GRCh38, 1-based): chr21:34,859,525, T>C on the plus strand (A>G on the coding strand, the complement: RUNX1 is on the minus strand). VCF-style: chr21-34859525-T-C. GRCh37 (hg19) VCF-style: chr21-36231822-T-C.
Other names: c.481A>G, p.Thr161Ala (NM_001001890.3, NM_001122607.2); short protein forms T188A, T161A.
Identifiers: ClinVar variation 4158215 (VCV004158215.1).

ClinVar aggregate classification (germline): Uncertain significance (1 of 4 stars; one submission).

Conditions:
Inborn genetic diseases. Identifiers: MedGen C0950123, MeSH D030342.

Submission:

Ambry Genetics
Classification: Uncertain significance for Inborn genetic diseases. Last evaluated: 2025-08-18. Review status: criteria provided, single submitter. Criteria: Ambry Variant Classification Scheme 2023. Collection method: clinical testing. Allele origin: germline.
Comment: The p.T188A variant (also known as c.562A>G), located in coding exon 5 of the RUNX1 gene, results from an A to G substitution at nucleotide position 562. The threonine at codon 188 is replaced by alanine, an amino acid with similar properties. This amino acid position is highly conserved in available vertebrate species. In addition, this alteration is predicted to be deleterious by in silico analysis. Based on the available evidence, the clinical significance of this variant remains unclear.